The following is an entry in ClinVar:

NM_005529.7(HSPG2):c.8045G>A (p.Arg2682Gln)

Gene: HSPG2 (heparan sulfate proteoglycan 2; minus strand). Cytogenetic location: 1p36.12.
Variant type: single nucleotide variant.
Coding change: c.8045G>A on transcript NM_005529.7 (MANE Select); coding-DNA position 8045, G replaced by A.
Protein change: p.Arg2682Gln; replaces arginine 2682 with glutamine.
Molecular consequence: missense variant.
Genome position (GRCh38, 1-based): chr1:21,847,473, C>T on the plus strand (G>A on the coding strand, the complement: HSPG2 is on the minus strand). VCF-style: chr1-21847473-C-T. GRCh37 (hg19) VCF-style: chr1-22173966-C-T.
Other names: c.8048G>A, p.Arg2683Gln (NM_001291860.2); short protein forms R2682Q, R2683Q.
Identifiers: ClinVar variation 1303117 (VCV001303117.2), dbSNP rs200037164, ClinGen allele CA670941.

ClinVar aggregate classification (germline): Uncertain significance (1 of 4 stars; one submission).

Allele frequency attached by ClinVar (database versions not stated): gnomAD 0.00002 and 0.00003; gnomAD exomes 0.00002 and 0.00006; TOPMed 0.00003; ExAC 0.00007; ESP Exome Variant Server 0.00008.
gnomAD v4.1: 37 of 1,613,762 alleles (0.0023%); highest among the groups gnomAD compares: Admixed American, 0.028%; no homozygotes.

Submission:

GeneDx
Classification: Uncertain significance. Last evaluated: 2019-05-30. Review status: criteria provided, single submitter. Criteria: GeneDx Variant Classification Process June 2021. Collection method: clinical testing. Allele origin: germline. Affected: yes.
Comment: In silico analysis, which includes protein predictors and evolutionary conservation, supports a deleterious effect. In addition, in silico splice predictors suggest this variant may lead to abnormal gene splicing. In the absence of RNA/functional studies, the actual effect of this sequence change is unknown; This variant is associated with the following publications: (PMID: 25666757)